The following is an entry in ClinVar:

ClinVar aggregate classification (germline): Uncertain significance (1 of 4 stars; one submission).

Conditions:
Joubert syndrome 18 (JBTS18). Identifiers: Orphanet 2754, MedGen C3553758, MONDO:0013896, OMIM 614815.
Orofacial-digital syndrome IV (OFD4). Also called: BARAITSER-BURN SYNDROME; OFD SYNDROME WITH TIBIAL DEFECTS; OFD SYNDROME, BARAITSER-BURN TYPE; OFDS IV; ORAL-FACIAL-DIGITAL SYNDROME, TYPE IV; Orofaciodigital syndrome IV. Identifiers: Orphanet 2753, MedGen C0406727, MONDO:0009794, OMIM 258860.

Submission:

Labcorp Genetics (formerly Invitae), Labcorp
Classification: Uncertain significance for Joubert syndrome 18; Orofacial-digital syndrome IV. Last evaluated: 2022-04-01. Review status: criteria provided, single submitter. Criteria: Invitae Variant Classification Sherloc (09022015). Collection method: clinical testing. Allele origin: germline.
Comment: This sequence change replaces glycine, which is neutral and non-polar, with alanine, which is neutral and non-polar, at codon 332 of the TCTN3 protein (p.Gly332Ala). In summary, the available evidence is currently insufficient to determine the role of this variant in disease. Therefore, it has been classified as a Variant of Uncertain Significance. Algorithms developed to predict the effect of missense changes on protein structure and function (SIFT, PolyPhen-2, Align-GVGD) all suggest that this variant is likely to be disruptive. This variant has not been reported in the literature in individuals affected with TCTN3-related conditions. This variant is not present in population databases (gnomAD no frequency).

NM_015631.6(TCTN3):c.995G>C (p.Gly332Ala)

Gene: TCTN3 (tectonic family member 3; minus strand). Cytogenetic location: 10q24.1.
Variant type: single nucleotide variant.
Coding change: c.995G>C on transcript NM_015631.6 (MANE Select); coding-DNA position 995, G replaced by C.
Protein change: p.Gly332Ala; replaces glycine 332 with alanine.
Molecular consequence: missense variant. On other transcripts: intron variant (1).
Genome position (GRCh38, 1-based): chr10:95,684,599, C>G on the plus strand (G>C on the coding strand, the complement: TCTN3 is on the minus strand). VCF-style: chr10-95684599-C-G. GRCh37 (hg19) VCF-style: chr10-97444356-C-G.
Other names: c.1049G>C, p.Gly350Ala (NM_001013840.1); c.914G>C, p.Gly305Ala (NM_001410982.1); c.652-970G>C (NM_001143973.2); short protein forms G305A, G332A, G350A.
Identifiers: ClinVar variation 2120437 (VCV002120437.4), dbSNP rs2492749167, ClinGen allele CA377704896.